The following is an entry in ClinVar:

ClinVar aggregate classification (germline): Pathogenic (1 of 4 stars; one submission).

Conditions:
Arrhythmogenic cardiomyopathy with wooly hair and keratoderma. Also called: Dilated cardiomyopathy with woolly hair and keratoderma; PALMOPLANTAR KERATODERMA WITH LEFT VENTRICULAR CARDIOMYOPATHY AND WOOLLY HAIR; Carvajal syndrome; Arrhythmogenic cardiomyopathy with woolly hair and keratoderma. Identifiers: Orphanet 65282, MedGen C1854063, MONDO:0011581, OMIM 605676.
Arrhythmogenic right ventricular dysplasia 8 (ARVD8). Also called: Arrhythmogenic Right Ventricular Dysplasia/Cardiomyopathy 8; ARRHYTHMOGENIC RIGHT VENTRICULAR DYSPLASIA, FAMILIAL, 8; ARRHYTHMOGENIC RIGHT VENTRICULAR CARDIOMYOPATHY 8. Identifiers: MedGen C1843896, MONDO:0011831, OMIM 607450.

Submission:

Labcorp Genetics (formerly Invitae), Labcorp
Classification: Pathogenic for Arrhythmogenic cardiomyopathy with wooly hair and keratoderma; Arrhythmogenic right ventricular dysplasia 8. Last evaluated: 2023-05-19. Review status: criteria provided, single submitter. Criteria: Invitae Variant Classification Sherloc (09022015). Collection method: clinical testing. Allele origin: germline.
Comment: This variant has not been reported in the literature in individuals affected with DSP-related conditions. This sequence change creates a premature translational stop signal (p.Cys482Tyrfs*20) in the DSP gene. It is expected to result in an absent or disrupted protein product. Loss-of-function variants in DSP are known to be pathogenic (PMID: 20716751, 24503780, 25227139). This variant is not present in population databases (gnomAD no frequency). For these reasons, this variant has been classified as Pathogenic.

Literature cited by the submitters: PubMed 20716751; PubMed 24503780; PubMed 25227139.

NM_004415.4(DSP):c.1445_1446del (p.Cys482fs)

Gene: DSP (desmoplakin; plus strand). Cytogenetic location: 6p24.3.
Variant type: Microsatellite.
Coding change: c.1445_1446del on transcript NM_004415.4 (MANE Select); coding-DNA positions 1445 to 1446, 2 bases deleted (GT; older notation c.1445_1446delGT).
Protein change: p.Cys482fs; shifts the reading frame from cysteine 482.
Molecular consequence: frameshift variant.
Genome position (GRCh38, 1-based): chr6:7,569,211-7,569,212, GT deleted; deleting any 2 consecutive bases within chr6:7,569,209-7,569,212 gives the same sequence; the c. name uses the placement nearest the transcript's 3' end. VCF-style (leftmost placement, unchanged base first): chr6-7569208-AGT-A. GRCh37 (hg19) VCF-style: chr6-7569441-AGT-A.
Other names: c.1445_1446del, p.Cys482fs (NM_001008844.3, NM_001319034.2); short protein forms C482fs.
Identifiers: ClinVar variation 2947959 (VCV002947959.3), dbSNP rs2533886914, ClinGen allele CA2740094254.